The following is an entry in ClinVar:

ClinVar aggregate classification (germline): Conflicting classifications of pathogenicity. Review status: criteria provided, conflicting classifications (1 of 4 stars). 2 submissions from 2 submitters: Uncertain significance (1); Likely benign (1). Last evaluated 2026-07-28.

Conditions:
Hereditary cancer-predisposing syndrome. Also called: Tumor predisposition; Hereditary neoplastic syndrome; Neoplastic Syndromes, Hereditary; Hereditary Cancer Syndrome. Identifiers: Orphanet 140162, MedGen C0027672, MeSH D009386, MONDO:0015356.
Cardiovascular phenotype. Identifiers: MedGen CN230736.
Neurofibromatosis, type 1 (NF1). Also called: NEUROFIBROMATOSIS, TYPE I, SOMATIC; Neurofibromatosis, type I; VON RECKLINGHAUSEN DISEASE; Peripheral type neurofibromatosis. Identifiers: Orphanet 636, MedGen C0027831, MONDO:0018975, OMIM 162200. Disease mechanism: loss of function.

Submissions (2):

Ambry Genetics
Classification: Likely benign for Cardiovascular phenotype; Hereditary cancer-predisposing syndrome. Last evaluated: 2026-07-28. Review status: criteria provided, single submitter. Criteria: Ambry Variant Classification Scheme 2023. Collection method: clinical testing. Allele origin: germline.

MGZ Medical Genetics Center
Classification: Uncertain significance for Neurofibromatosis, type 1. Last evaluated: 2022-04-19. Review status: criteria provided, single submitter. Criteria: ACMG Guidelines, 2015. Collection method: clinical testing. Allele origin: germline. Affected: yes. Observed: 1 variant allele.
Comment: ACMG criteria applied: PM2_SUP, PP2, BP4

NM_001042492.3(NF1):c.94A>G (p.Thr32Ala)

Gene: NF1 (neurofibromin 1; plus strand). Cytogenetic location: 17q11.2.
Variant type: single nucleotide variant.
Coding change: c.94A>G on transcript NM_001042492.3 (MANE Select); coding-DNA position 94, A replaced by G.
Protein change: p.Thr32Ala; replaces threonine 32 with alanine.
Molecular consequence: missense variant.
Genome position (GRCh38, 1-based): chr17:31,156,016, A>G. VCF-style: chr17-31156016-A-G. GRCh37 (hg19) VCF-style: chr17-29483034-A-G.
Other names: c.94A>G, p.Thr32Ala (NM_000267.4, NM_001128147.3); short protein forms T32A.
Identifiers: ClinVar variation 1709009 (VCV001709009.5), dbSNP rs2544680959, ClinGen allele CA398988196.
Genomic context (GRCh38, chr17:31,156,016, plus strand): 5'-CGTGTTTTTTTTTTCTTTTTTTTTCAGCTTCCAATAAAAACAGGACAGCAGAACACACAT[A>G]CCAAAGTCAGTACTGAGCACAACAAGGAATGTCTAATCAATATTTCCAAATACAAGTTTT-3'
Protein context (NP_001035957.1, residues 22-42): PIKTGQQNTH[Thr32Ala]KVSTEHNKEC